The following is an entry in ClinVar:

ClinVar aggregate classification (germline): Uncertain significance (1 of 4 stars; one submission).

Conditions:
Jeune thoracic dystrophy. Also called: Short-rib thoracic dysplasia; Jeune syndrome; Infantile thoracic dystrophy; Thoracic pelvic phalangeal dystrophy; Jeune's syndrome; Chondroectodermal dysplasia-like syndrome. Identifiers: Orphanet 474, MedGen C0265275, MONDO:0018770.

Allele frequency attached by ClinVar (database versions not stated): gnomAD exomes 0.00003 and 0.00012; gnomAD 0.00006 and 0.00009; TOPMed 0.00006; ExAC 0.00012; 1000 Genomes Project 0.00060; 1000 Genomes Project 30x 0.00062.
gnomAD v4.1: 61 of 1,608,668 alleles (0.0038%); highest among the groups gnomAD compares: East Asian, 0.13%; no homozygotes.

Submission:

Labcorp Genetics (formerly Invitae), Labcorp
Classification: Uncertain significance for Jeune thoracic dystrophy. Last evaluated: 2021-05-28. Review status: criteria provided, single submitter. Criteria: Invitae Variant Classification Sherloc (09022015). Collection method: clinical testing. Allele origin: germline.
Comment: This sequence change falls in intron 41 of the DYNC2H1 gene. It does not directly change the encoded amino acid sequence of the DYNC2H1 protein. It affects a nucleotide within the consensus splice site of the intron. This variant is present in population databases (rs140033218, ExAC 0.2%). This variant has not been reported in the literature in individuals with DYNC2H1-related conditions. Nucleotide substitutions within the consensus splice site are a relatively common cause of aberrant splicing (PMID: 17576681, 9536098). Algorithms developed to predict the effect of sequence changes on RNA splicing suggest that this variant is not likely to affect RNA splicing, but this prediction has not been confirmed by published transcriptional studies. In summary, the available evidence is currently insufficient to determine the role of this variant in disease. Therefore, it has been classified as a Variant of Uncertain Significance.

Literature cited by the submitters: PubMed 17576681; PubMed 9536098.

NM_001377.3(DYNC2H1):c.6633+4A>T

Gene: DYNC2H1 (dynein cytoplasmic 2 heavy chain 1; plus strand). Cytogenetic location: 11q22.3.
Variant type: single nucleotide variant.
Coding change: c.6633+4A>T on transcript NM_001377.3 (MANE Select); 4 bases into the intron after coding-DNA position 6633, A replaced by T.
Molecular consequence: intron variant.
Genome position (GRCh38, 1-based): chr11:103,185,055, A>T. VCF-style: chr11-103185055-A-T. GRCh37 (hg19) VCF-style: chr11-103055784-A-T.
Other names: c.6633+4A>T (NM_001080463.2).
Identifiers: ClinVar variation 1433630 (VCV001433630.3), dbSNP rs140033218, ClinGen allele CA6254016.